The following is an entry in ClinVar:

NM_000465.4(BARD1):c.1419C>A (p.His473Gln)

Gene: BARD1 (BRCA1 associated RING domain 1; minus strand). Cytogenetic location: 2q35.
Variant type: single nucleotide variant.
Coding change: c.1419C>A on transcript NM_000465.4 (MANE Select); coding-DNA position 1419, C replaced by A.
Protein change: p.His473Gln; replaces histidine 473 with glutamine.
Molecular consequence: missense variant. On other transcripts: non-coding transcript variant (3), intron variant (3).
Genome position (GRCh38, 1-based): chr2:214,767,631, G>T on the plus strand (C>A on the coding strand, the complement: BARD1 is on the minus strand). VCF-style: chr2-214767631-G-T. GRCh37 (hg19) VCF-style: chr2-215632355-G-T.
Other names: c.1362C>A, p.His454Gln (NM_001282543.2); c.159-15076C>A (NM_001282548.2); c.216-15076C>A (NM_001282545.2); c.364+24666C>A (NM_001282549.2); short protein forms H473Q, H454Q.
Identifiers: ClinVar variation 479136 (VCV000479136.5), dbSNP rs786203473, ClinGen allele CA350448705.
Genomic context (GRCh38, chr2:214,767,631, plus strand): 5'-TTGATACCCGGTGGTGTTCACCAATGCCTTATGCTGGAGCAATAATTCCACTACCTTCAG[G>T]TGCCCATGATTGCAAGCTTCATGCTAATTAAATTTTTTGAAAAAGAAGTGAAAGAAGTGA-3'
Protein context (NP_000456.2, residues 463-483): TPLHEACNHG[His473Gln]LKVVELLLQH

ClinVar aggregate classification (germline): Uncertain significance (1 of 4 stars; one submission).

Conditions:
Hereditary cancer-predisposing syndrome. Also called: Neoplastic Syndromes, Hereditary; Hereditary Cancer Syndrome; Hereditary neoplastic syndrome; Tumor predisposition. Identifiers: Orphanet 140162, MedGen C0027672, MeSH D009386, MONDO:0015356.

gnomAD v4.1: 1 of 1,613,858 alleles (0.000062%); highest among the groups gnomAD compares: Non-Finnish European, 0.000085%; no homozygotes.

Submission:

Ambry Genetics
Classification: Uncertain significance for Hereditary cancer-predisposing syndrome. Last evaluated: 2022-09-09. Review status: criteria provided, single submitter. Criteria: Ambry Variant Classification Scheme 2023. Collection method: clinical testing. Allele origin: germline.
Comment: The p.H473Q variant (also known as c.1419C>A), located in coding exon 6 of the BARD1 gene, results from a C to A substitution at nucleotide position 1419. The histidine at codon 473 is replaced by glutamine, an amino acid with highly similar properties. This amino acid position is highly conserved in available vertebrate species. In addition, this alteration is predicted to be deleterious by in silico analysis. Since supporting evidence is limited at this time, the clinical significance of this alteration remains unclear.